The following is an entry in ClinVar:

ClinVar aggregate classification (germline): Uncertain significance. Review status: criteria provided, multiple submitters, no conflicts (2 of 4 stars). 2 submissions from 2 submitters: Uncertain significance (2). Last evaluated 2024-05-13.

Conditions:
Retinitis pigmentosa 28 (RP28). Identifiers: Orphanet 791, MedGen C1419614, MONDO:0011630, OMIM 606068.

Allele frequency attached by ClinVar (database versions not stated): gnomAD exomes below 0.00001.
gnomAD v4.1: 1 of 1,589,436 alleles (0.000063%); highest among the groups gnomAD compares: Admixed American, 0.0018%; no homozygotes.

Submissions (2):

Revvity Omics, Revvity
Classification: Uncertain significance for Retinitis pigmentosa 28. Last evaluated: 2024-05-13. Review status: criteria provided, single submitter. Criteria: ACMG Guidelines, 2015. Collection method: clinical testing. Allele origin: germline.

Labcorp Genetics (formerly Invitae), Labcorp
Classification: Uncertain significance. Last evaluated: 2022-09-30. Review status: criteria provided, single submitter. Criteria: Invitae Variant Classification Sherloc (09022015). Collection method: clinical testing. Allele origin: germline.
Comment: This sequence change falls in intron 3 of the FAM161A gene. It does not directly change the encoded amino acid sequence of the FAM161A protein. This variant is present in population databases (no rsID available, gnomAD 0.003%). This variant has not been reported in the literature in individuals affected with FAM161A-related conditions. ClinVar contains an entry for this variant (Variation ID: 957356). Algorithms developed to predict the effect of sequence changes on RNA splicing suggest that this variant may disrupt the consensus splice site. In summary, the available evidence is currently insufficient to determine the role of this variant in disease. Therefore, it has been classified as a Variant of Uncertain Significance.

NM_001201543.2(FAM161A):c.1584-7C>A

Gene: FAM161A (FAM161 centrosomal protein A; minus strand). Cytogenetic location: 2p15.
Variant type: single nucleotide variant.
Coding change: c.1584-7C>A on transcript NM_001201543.2 (MANE Select); 7 bases into the intron before coding-DNA position 1584, C replaced by A.
Molecular consequence: intron variant.
Genome position (GRCh38, 1-based): chr2:61,838,712, G>T on the plus strand (C>A on the coding strand, the complement: FAM161A is on the minus strand). VCF-style: chr2-61838712-G-T. GRCh37 (hg19) VCF-style: chr2-62065847-G-T.
Other names: c.1583+709C>A (NM_032180.3).
Identifiers: ClinVar variation 957356 (VCV000957356.5), dbSNP rs1386587932, ClinGen allele CA533181628.